The following is an entry in ClinVar:

NM_015340.4(LARS2):c.1481dup (p.Leu495fs)

Genes: LARS2-AS1 (LARS2 antisense RNA 1; minus strand), LARS2 (leucyl-tRNA synthetase 2, mitochondrial; plus strand). Cytogenetic location: 3p21.31.
Variant type: Duplication.
Coding change: c.1481dup on transcript NM_015340.4 (MANE Select); coding-DNA position 1481, one base duplicated (C; older notation c.1481dupC).
Protein change: p.Leu495fs; shifts the reading frame from leucine 495.
Molecular consequence: frameshift variant.
Genome position (GRCh38, 1-based): chr3:45,491,758, C duplicated; the last of 6 consecutive C bases (chr3:45,491,753-45,491,758); duplicating any one gives the same sequence. VCF-style (leftmost placement, unchanged base first): chr3-45491752-G-GC. GRCh37 (hg19) VCF-style: chr3-45533244-G-GC.
Other names: c.1481dup, p.Leu495fs (NM_001368263.1); short protein forms L495fs.
Identifiers: ClinVar variation 1185590 (VCV001185590.7), dbSNP rs762797278, ClinGen allele CA2349607.

ClinVar aggregate classification (germline): Pathogenic. Review status: criteria provided, multiple submitters, no conflicts (2 of 4 stars). 2 submissions from 2 submitters: Pathogenic (2). Last evaluated 2022-08-09.

Conditions:
Nonsyndromic genetic hearing loss. Also called: Non-syndromic genetic deafness; Nonsyndromic hearing loss and deafness; Nonsyndromic genetic deafness. Identifiers: Orphanet 87884, MedGen C5680182, MONDO:0019497.

Submissions (2):

Labcorp Genetics (formerly Invitae), Labcorp
Classification: Pathogenic. Last evaluated: 2022-08-09. Review status: criteria provided, single submitter. Criteria: Invitae Variant Classification Sherloc (09022015). Collection method: clinical testing. Allele origin: germline.
Comment: This sequence change creates a premature translational stop signal (p.Leu495Thrfs*31) in the LARS2 gene. It is expected to result in an absent or disrupted protein product. Loss-of-function variants in LARS2 are known to be pathogenic (PMID: 23541342, 30737337). This variant is not present in population databases (gnomAD no frequency). This variant has not been reported in the literature in individuals affected with LARS2-related conditions. ClinVar contains an entry for this variant (Variation ID: 1185590). For these reasons, this variant has been classified as Pathogenic.

INGEBI, INGEBI / CONICET
Classification: Pathogenic for Nonsyndromic genetic hearing loss. Last evaluated: 2021-07-15. Review status: criteria provided, single submitter. Criteria: ClinGen HL ACMG Specifications v1. Collection method: clinical testing. Allele origin: germline. Inheritance: Autosomal recessive inheritance. Affected: yes. Observed: 2 variant alleles, 2 compound heterozygotes.
Comment: Based on ACMG/AMP guidelines and Hearing Loss Expert Panel specific criteria:The c.1481dup variant in LARS2 is predicted to cause a premature stop codon in biologically-relevant-exon 13/22 that leads to a truncated or absent protein in a gene in which loss-of-function is an established mechanism, NMD is predcited to occur, (PVS1). The variant is absent in population databases meeting PM2). c.1481dupC has been identified in trans with a pathogenic variant in two siblings (current data) PM3, PP1_Sup. Taking all together: PVS1, PM2, PM3, PP1_S, c.1481dup is classified as Pathogenic.

Literature cited by the submitters: PubMed 23541342 (cited by Labcorp Genetics (formerly Invitae), Labcorp); PubMed 30737337 (cited by Labcorp Genetics (formerly Invitae), Labcorp).